The following is an entry in ClinVar:

ClinVar aggregate classification (germline): Conflicting classifications of pathogenicity. Review status: criteria provided, conflicting classifications (1 of 4 stars). 4 submissions from 4 submitters: Likely pathogenic (1); Uncertain significance (3). Last evaluated 2023-10-27.

Conditions:
Cardiovascular phenotype. Identifiers: MedGen CN230736.
Hypertrophic cardiomyopathy 4. Also called: Familial hypertrophic cardiomyopathy 4. Identifiers: MedGen C1861862, MONDO:0007268, OMIM 115197.
Hypertrophic cardiomyopathy. Also called: HYPERTROPHIC MYOCARDIOPATHY. Identifiers: Orphanet 217569, MedGen C0007194, MeSH D002312, MONDO:0005045, HP:0001639.

Allele frequency attached by ClinVar (database versions not stated): gnomAD exomes below 0.00001.
gnomAD v4.1: 1 of 1,613,914 alleles (0.000062%); highest among the groups gnomAD compares: South Asian, 0.0011%; no homozygotes.

Submissions (4):

Ambry Genetics
Classification: Uncertain significance for Cardiovascular phenotype. Last evaluated: 2023-10-27. Review status: criteria provided, single submitter. Criteria: Ambry Variant Classification Scheme 2023. Collection method: clinical testing. Allele origin: germline.
Comment: The p.Y525H variant (also known as c.1573T>C), located in coding exon 17 of the MYBPC3 gene, results from a T to C substitution at nucleotide position 1573. The tyrosine at codon 525 is replaced by histidine, an amino acid with similar properties. This variant has been reported in a hypertrophic cardiomyopathy cohort; however, clinical details were limited (Lopes LR et al. J. Med. Genet., 2013 Apr;50:228-39). This amino acid position is highly conserved in available vertebrate species. In addition, this alteration is predicted to be deleterious by in silico analysis. Since supporting evidence is limited at this time, the clinical significance of this alteration remains unclear.

All of Us Research Program, National Institutes of Health
Classification: Uncertain significance for Hypertrophic cardiomyopathy. Last evaluated: 2023-06-28. Review status: criteria provided, single submitter. Criteria: ACMG Guidelines, 2015. Collection method: clinical testing. Allele origin: germline. Inheritance: Autosomal dominant inheritance. Observed: 1 variant allele, 1 heterozygote.
Comment: This study involves interpretation of variants in research participants for the purpose of population health screening. Participant phenotype was not available at the time of variant classification. Additional details can be found in publication PMID: 35346344, PMCID: PMC8962531

GeneDx
Classification: Uncertain significance. Last evaluated: 2017-06-29. Review status: criteria provided, single submitter. Criteria: GeneDx Variant Classification (06012015). Collection method: clinical testing. Allele origin: germline. Affected: yes.
Comment: A variant of uncertain significance has been identified in the MYBPC3 gene. The Y525H variant has been reported in one patient with HCM (Lopes et al., 2013); however familial segregation information and additional clinical information were not included. This variant is not observed in large population cohorts (Lek et al., 2016; 1000 Genomes Consortium et al., 2015; Exome Variant Server). The Y525H variant is a non-conservative amino acid substitution, which is likely to impact secondary protein structure as these residues differ in polarity, charge, size and/or other properties. This substitution occurs at a position that is conserved across species and in silico analysis predicts this variant is probably damaging to the protein structure/function. However, while a missense variant in the same residue (Y525S) has been reported in the Human Gene Mutation Database in association with cardiomyopathy (Stenson et al., 2014), the pathogenicity of this variant has not been definitively determined.

Clinical Genetics Service, Universitary Hospital 12 de Octubre
Classification: Likely pathogenic for Hypertrophic cardiomyopathy 4. Review status: criteria provided, single submitter. Criteria: ACMG Guidelines, 2015. Collection method: clinical testing. Allele origin: germline. Affected: yes.

Literature cited by the submitters: PubMed 23396983 (cited by Ambry Genetics).

NM_000256.3(MYBPC3):c.1573T>C (p.Tyr525His)

Gene: MYBPC3 (myosin binding protein C3; minus strand). Cytogenetic location: 11p11.2.
Variant type: single nucleotide variant.
Coding change: c.1573T>C on transcript NM_000256.3 (MANE Select); coding-DNA position 1573, T replaced by C.
Protein change: p.Tyr525His; replaces tyrosine 525 with histidine.
Molecular consequence: missense variant.
Genome position (GRCh38, 1-based): chr11:47,342,629, A>G on the plus strand (T>C on the coding strand, the complement: MYBPC3 is on the minus strand). VCF-style: chr11-47342629-A-G. GRCh37 (hg19) VCF-style: chr11-47364180-A-G.
Other names: c.1573T>C, p.Tyr525His (LRG_386t1); short protein forms Y525H.
Identifiers: ClinVar variation 449309 (VCV000449309.6), dbSNP rs1555122164, ClinGen allele CA380325076.